The following is an entry in ClinVar:

ClinVar aggregate classification (germline): Uncertain significance (1 of 4 stars; one submission).

Submission:

CeGaT Center for Human Genetics Tuebingen
Classification: Uncertain significance. Last evaluated: 2026-03-01. Review status: criteria provided, single submitter. Criteria: CeGaT Center For Human Genetics Tuebingen Variant Classification Criteria Version 2. Collection method: clinical testing. Allele origin: germline. Affected: yes. Observed: 1 variant allele.
Comment: TTN: PM2, BP4

NM_001267550.2(TTN):c.36922G>T (p.Ala12308Ser)

Gene: TTN (titin; minus strand). Cytogenetic location: 2q31.2.
Variant type: single nucleotide variant.
Coding change: c.36922G>T on transcript NM_001267550.2 (MANE Select); coding-DNA position 36922, G replaced by T.
Protein change: p.Ala12308Ser; replaces alanine 12308 with serine.
Molecular consequence: missense variant. On other transcripts: intron variant (5).
Genome position (GRCh38, 1-based): chr2:178,662,569, C>A on the plus strand (G>T on the coding strand, the complement: TTN is on the minus strand). VCF-style: chr2-178662569-C-A. GRCh37 (hg19) VCF-style: chr2-179527296-C-A.
Other names: c.13283-20252G>T (NM_003319.4); c.13859-20252G>T (NM_133437.4); c.13658-20252G>T (NM_133432.3); c.31573+397G>T (NM_133378.4); c.34354+397G>T (NM_001256850.1); short protein forms A12308S.
Identifiers: ClinVar variation 4822554 (VCV004822554.4).